The following is an entry in ClinVar:

ClinVar aggregate classification (germline): Uncertain significance. Review status: criteria provided, single submitter (1 of 4 stars). 2 submissions from 2 submitters: Uncertain significance (1). 1 of the submissions does not count toward it. Last evaluated 2025-04-17.

Conditions:
Fanconi anemia (FA). Also called: Fanconi's anemia. Identifiers: Orphanet 84, MedGen C0015625, MeSH D005199, MONDO:0019391.
Hereditary cancer-predisposing syndrome. Also called: Tumor predisposition; Hereditary neoplastic syndrome; Neoplastic Syndromes, Hereditary; Hereditary Cancer Syndrome. Identifiers: Orphanet 140162, MedGen C0027672, MeSH D009386, MONDO:0015356.

Submissions (2):

Ambry Genetics
Classification: Uncertain significance for Hereditary cancer-predisposing syndrome. Last evaluated: 2025-04-17. Review status: criteria provided, single submitter. Criteria: Ambry Variant Classification Scheme 2023. Collection method: clinical testing. Allele origin: germline.
Comment: The p.L375F variant (also known as c.1123C>T), located in coding exon 11 of the FANCC gene, results from a C to T substitution at nucleotide position 1123. The leucine at codon 375 is replaced by phenylalanine, an amino acid with highly similar properties. This amino acid position is conserved. In addition, the in silico prediction for this alteration is inconclusive. Based on the available evidence, the clinical significance of this variant remains unclear.

Natera, Inc.
Classification: Uncertain significance for Fanconi anemia. Last evaluated: 2025-03-17. Review status: no assertion criteria provided. Collection method: clinical testing. Allele origin: germline. Not counted in ClinVar's aggregate classification.

NM_000136.3(FANCC):c.1123C>T (p.Leu375Phe)

Genes: AOPEP (aminopeptidase O (putative); plus strand), FANCC (FA complementation group C; minus strand). Cytogenetic location: 9q22.32.
Variant type: single nucleotide variant.
Coding change: c.1123C>T on transcript NM_000136.3 (MANE Select); coding-DNA position 1123, C replaced by T.
Protein change: p.Leu375Phe; replaces leucine 375 with phenylalanine.
Molecular consequence: missense variant.
Genome position (GRCh38, 1-based): chr9:95,114,660, G>A on the plus strand (C>T on the coding strand, the complement: FANCC is on the minus strand). VCF-style: chr9-95114660-G-A. GRCh37 (hg19) VCF-style: chr9-97876942-G-A.
Other names: c.1123C>T, p.Leu375Phe (NM_001243743.2, NM_001243744.2); short protein forms L375F.
Identifiers: ClinVar variation 4022410 (VCV004022410.2).
Genomic context (GRCh38, chr9:95,114,660, plus strand): 5'-AGATTTGGGAGTGGTCAGTGTTTGCTCACCCATGAGTCTGGTCTTCAACTGCTTCTCTGA[G>A]CAGTTCAGAAATATGCTTCAGTGTCTGGAGCCAGTGTCCCCGAGGGATATCTGCGGGTGG-3'
Protein context (NP_000127.2, residues 365-385): LQTLKHISEL[Leu375Phe]REAVEDQTHG